The following is an entry in ClinVar:

NM_001365536.1(SCN9A):c.1554C>T (p.Val518=)

Genes: SCN1A-AS1 (SCN1A and SCN9A antisense RNA 1; plus strand), SCN9A (sodium voltage-gated channel alpha subunit 9; minus strand). Cytogenetic location: 2q24.3.
Variant type: single nucleotide variant.
Coding change: c.1554C>T on transcript NM_001365536.1 (MANE Select); coding-DNA position 1554, C replaced by T.
Protein change: p.Val518=; no amino-acid change (valine 518 retained).
Molecular consequence: synonymous variant.
Genome position (GRCh38, 1-based): chr2:166,286,384, G>A on the plus strand (C>T on the coding strand, the complement: SCN9A is on the minus strand). VCF-style: chr2-166286384-G-A. GRCh37 (hg19) VCF-style: chr2-167142894-G-A.
Other names: c.1554C>T, p.Val518= (NM_002977.4).
Identifiers: ClinVar variation 538497 (VCV000538497.57), dbSNP rs201054032, ClinGen allele CA1944494.

ClinVar aggregate classification (germline): Likely benign. Review status: criteria provided, multiple submitters, no conflicts (2 of 4 stars). 6 submissions from 6 submitters: Likely benign (6). Last evaluated 2026-04-21.

Conditions:
Neuropathy, hereditary sensory and autonomic, type 2A (HSAN2A). Also called: MORVAN DISEASE; NEUROPATHY, CONGENITAL SENSORY; NEUROPATHY, HEREDITARY SENSORY RADICULAR, AUTOSOMAL RECESSIVE; NEUROPATHY, HEREDITARY SENSORY, TYPE IIA; NEUROPATHY, PROGRESSIVE SENSORY, OF CHILDREN; WNK1-Related HSAN2 (HSAN2A). Identifiers: Orphanet 970, MedGen C2752089, MONDO:0024309, OMIM 201300.
Generalized epilepsy with febrile seizures plus, type 7 (GEFSP7). Also called: GEFS+, TYPE 7. Identifiers: Orphanet 36387, MedGen C2751778, MONDO:0013470, OMIM 613863.
SCN9A-related disorder. Also called: SCN9A-related disorders; SCN9A-related condition.
Inborn genetic diseases. Identifiers: MedGen C0950123, MeSH D030342.

Allele frequency attached by ClinVar (database versions not stated): ExAC 0.00006; gnomAD exomes 0.00006 and 0.00009; TOPMed 0.00007; ESP Exome Variant Server 0.00008; gnomAD 0.00009.
gnomAD v4.1: 137 of 1,613,624 alleles (0.0085%); highest among the groups gnomAD compares: Non-Finnish European, 0.011%; no homozygotes.

Submissions (6):

Women's Health and Genetics/Laboratory Corporation of America, LabCorp
Classification: Likely benign. Last evaluated: 2026-04-21. Review status: criteria provided, single submitter. Criteria: LabCorp Variant Classification Summary - May 2015. Collection method: clinical testing. Allele origin: germline.

PreventionGenetics, part of Exact Sciences
Classification: Likely benign for SCN9A-related condition. Last evaluated: 2026-02-16. Review status: criteria provided, single submitter. Criteria: ACMG Guidelines, 2015. Collection method: clinical testing. Allele origin: germline.
Comment: This variant is classified as likely benign based on ACMG/AMP sequence variant interpretation guidelines (Richards et al. 2015 PMID: 25741868, with internal and published modifications).

Labcorp Genetics (formerly Invitae), Labcorp
Classification: Likely benign for Neuropathy, hereditary sensory and autonomic, type 2A; Generalized epilepsy with febrile seizures plus, type 7. Last evaluated: 2026-02-03. Review status: criteria provided, single submitter. Criteria: Invitae Variant Classification Sherloc (09022015). Collection method: clinical testing. Allele origin: germline.

CeGaT Center for Human Genetics Tuebingen
Classification: Likely benign. Last evaluated: 2025-07-01. Review status: criteria provided, single submitter. Criteria: CeGaT Center For Human Genetics Tuebingen Variant Classification Criteria Version 2. Collection method: clinical testing. Allele origin: germline. Affected: yes. Observed: 2 variant alleles.
Comment: SCN9A: BP4, BP7

Blueprint Genetics
Classification: Likely benign. Last evaluated: 2024-10-18. Review status: criteria provided, single submitter. Criteria: ACMG Guidelines, 2015. Collection method: clinical testing. Allele origin: germline.

Ambry Genetics
Classification: Likely benign for Inborn genetic diseases. Last evaluated: 2019-07-11. Review status: criteria provided, single submitter. Criteria: Ambry Variant Classification Scheme 2023. Collection method: clinical testing. Allele origin: germline.